The following is an entry in ClinVar:

NM_020461.4(TUBGCP6):c.33G>T (p.Leu11=)

Gene: TUBGCP6 (tubulin gamma complex component 6; minus strand). Cytogenetic location: 22q13.33.
Variant type: single nucleotide variant.
Coding change: c.33G>T on transcript NM_020461.4 (MANE Select); coding-DNA position 33, G replaced by T.
Protein change: p.Leu11=; no amino-acid change (leucine 11 retained).
Molecular consequence: synonymous variant.
Genome position (GRCh38, 1-based): chr22:50,244,427, C>A on the plus strand (G>T on the coding strand, the complement: TUBGCP6 is on the minus strand). VCF-style: chr22-50244427-C-A. GRCh37 (hg19) VCF-style: chr22-50682856-C-A.
Identifiers: ClinVar variation 2173087 (VCV002173087.6), dbSNP rs1487488760, ClinGen allele CA515377522.

ClinVar aggregate classification (germline): Likely benign. Review status: criteria provided, multiple submitters, no conflicts (2 of 4 stars). 2 submissions from 2 submitters: Likely benign (2). Last evaluated 2026-05-01.

gnomAD v4.1: 2 of 1,612,820 alleles (0.00012%); highest among the groups gnomAD compares: Middle Eastern, 0.016%; no homozygotes.

Submissions (2):

CeGaT Center for Human Genetics Tuebingen
Classification: Likely benign. Last evaluated: 2026-05-01. Review status: criteria provided, single submitter. Criteria: CeGaT Center For Human Genetics Tuebingen Variant Classification Criteria Version 2. Collection method: clinical testing. Allele origin: germline. Affected: yes. Observed: 1 variant allele.
Comment: TUBGCP6: BP4, BP7

Labcorp Genetics (formerly Invitae), Labcorp
Classification: Likely benign. Last evaluated: 2025-10-23. Review status: criteria provided, single submitter. Criteria: Invitae Variant Classification Sherloc (09022015). Collection method: clinical testing. Allele origin: germline.